The following is an entry in ClinVar:

ClinVar aggregate classification (germline): Benign. Review status: criteria provided, multiple submitters, no conflicts (2 of 4 stars). 4 submissions from 4 submitters: Benign (4). Last evaluated 2025-04-03.

Conditions:
3-hydroxy-3-methylglutaryl-CoA synthase deficiency (HMGCS2D). Also called: MITOCHONDRIAL HMG-CoA SYNTHASE DEFICIENCY; HMG-CoA synthase-2 deficiency; HMGCS2 DEFICIENCY. Identifiers: Orphanet 35701, MedGen C2751532, MONDO:0011614, OMIM 605911.

Allele frequency attached by ClinVar (database versions not stated): ESP Exome Variant Server 0.00008; gnomAD exomes 0.00222 and 0.00750; gnomAD 0.00299 and 0.00368; TOPMed 0.00509; ExAC 0.00704; 1000 Genomes Project 30x 0.01296; 1000 Genomes Project 0.01318.
gnomAD v4.1: 3,839 of 1,602,450 alleles (0.24%); highest among the groups gnomAD compares: East Asian, 6%; 98 homozygotes.

Submissions (4):

ARUP Laboratories, Molecular Genetics and Genomics, ARUP Laboratories
Classification: Benign for 3-hydroxy-3-methylglutaryl-CoA synthase deficiency. Last evaluated: 2025-04-03. Review status: criteria provided, single submitter. Criteria: ARUP Molecular Germline Variant Investigation Process 2024. Collection method: clinical testing. Allele origin: germline.

GeneDx
Classification: Benign. Last evaluated: 2018-01-16. Review status: criteria provided, single submitter. Criteria: GeneDx Variant Classification (06012015). Collection method: clinical testing. Allele origin: germline. Affected: yes.
Comment: This variant is considered likely benign or benign based on one or more of the following criteria: it is a conservative change, it occurs at a poorly conserved position in the protein, it is predicted to be benign by multiple in silico algorithms, and/or has population frequency not consistent with disease.

Illumina Laboratory Services, Illumina
Classification: Benign for 3-hydroxy-3-methylglutaryl-CoA synthase deficiency. Last evaluated: 2018-01-13. Review status: criteria provided, single submitter. Criteria: ICSL Variant Classification Criteria 13 December 2019. Collection method: clinical testing. Allele origin: germline.
Comment: This variant was observed in the ICSL laboratory as part of a predisposition screen in an ostensibly healthy population. It had not been previously curated by ICSL or reported in the Human Gene Mutation Database (HGMD: prior to June 1st, 2018), and was therefore a candidate for classification through an automated scoring system. Utilizing variant allele frequency, disease prevalence and penetrance estimates, and inheritance mode, an automated score was calculated to assess if this variant is too frequent to cause the disease. Based on the score and internal cut-off values, a variant classified as benign is not then subjected to further curation. The score for this variant resulted in a classification of benign for this disease.

Breakthrough Genomics
Classification: Benign. Review status: criteria provided, single submitter. Criteria: ACMG Guidelines, 2015. Collection method: not provided. Allele origin: germline. Inheritance: Autosomal recessive inheritance. Affected: yes.

NM_005518.4(HMGCS2):c.-11C>T

Gene: HMGCS2 (3-hydroxy-3-methylglutaryl-CoA synthase 2; minus strand). Cytogenetic location: 1p12.
Variant type: single nucleotide variant.
Coding change: c.-11C>T on transcript NM_005518.4 (MANE Select); 11 bases upstream of the start codon, C replaced by T.
Molecular consequence: 5 prime UTR variant.
Genome position (GRCh38, 1-based): chr1:119,768,855, G>A on the plus strand (C>T on the coding strand, the complement: HMGCS2 is on the minus strand). VCF-style: chr1-119768855-G-A. GRCh37 (hg19) VCF-style: chr1-120311478-G-A.
Other names: c.-11C>T (NM_001166107.1).
Identifiers: ClinVar variation 292347 (VCV000292347.8), dbSNP rs2289459, ClinGen allele CA1038007.
Genomic context (GRCh38, chr1:119,768,855, plus strand): 5'-GCTCTTGTCAGTTGCAGAATGCGCTTCACTGGAGTCAACAGACGCTGCATCTCCAGAGGA[G>A]CAAGCAGAAACCCAGCAGTTCAGAAACCCAGCAGAAACCTTGAAAGAGATGCCCAGTGGT-3'